The following is an entry in ClinVar:

NM_024537.4(CARS2):c.1061A>G (p.Asp354Gly)

Gene: CARS2 (cysteinyl-tRNA synthetase 2, mitochondrial; minus strand). Cytogenetic location: 13q34.
Variant type: single nucleotide variant.
Coding change: c.1061A>G on transcript NM_024537.4 (MANE Select); coding-DNA position 1061, A replaced by G.
Protein change: p.Asp354Gly; replaces aspartic acid 354 with glycine.
Molecular consequence: missense variant. On other transcripts: non-coding transcript variant (2).
Genome position (GRCh38, 1-based): chr13:110,647,233, T>C on the plus strand (A>G on the coding strand, the complement: CARS2 is on the minus strand). VCF-style: chr13-110647233-T-C. GRCh37 (hg19) VCF-style: chr13-111299580-T-C.
Other names: c.275A>G, p.Asp92Gly (NM_001352252.2); short protein forms D354G, D92G.
Identifiers: ClinVar variation 1026520 (VCV001026520.9), dbSNP rs745633983, ClinGen allele CA7051919.

ClinVar aggregate classification (germline): Uncertain significance. Review status: criteria provided, multiple submitters, no conflicts (2 of 4 stars). 2 submissions from 2 submitters: Uncertain significance (2). Last evaluated 2025-09-02.

Conditions:
Combined oxidative phosphorylation defect type 27. Also called: Combined oxidative phosphorylation deficiency 27. Identifiers: Orphanet 477774, MedGen C5567608, MONDO:0014728, OMIM 616672.

Allele frequency attached by ClinVar (database versions not stated): ExAC 0.00003; TOPMed 0.00003; gnomAD exomes 0.00005; gnomAD 0.00001.
gnomAD v4.1: 51 of 1,612,360 alleles (0.0032%); highest among the groups gnomAD compares: Admixed American, 0.01%; no homozygotes.

Submissions (2):

Labcorp Genetics (formerly Invitae), Labcorp
Classification: Uncertain significance for Combined oxidative phosphorylation defect type 27. Last evaluated: 2025-09-02. Review status: criteria provided, single submitter. Criteria: Invitae Variant Classification Sherloc (09022015). Collection method: clinical testing. Allele origin: germline.
Comment: This sequence change replaces aspartic acid, which is acidic and polar, with glycine, which is neutral and non-polar, at codon 354 of the CARS2 protein (p.Asp354Gly). This variant is present in population databases (rs745633983, gnomAD 0.02%). This variant has not been reported in the literature in individuals affected with CARS2-related conditions. ClinVar contains an entry for this variant (Variation ID: 1026520). Invitae Evidence Modeling of protein sequence and biophysical properties (such as structural, functional, and spatial information, amino acid conservation, physicochemical variation, residue mobility, and thermodynamic stability) indicates that this missense variant is not expected to disrupt CARS2 protein function with a negative predictive value of 80%. In summary, the available evidence is currently insufficient to determine the role of this variant in disease. Therefore, it has been classified as a Variant of Uncertain Significance.

GeneDx
Classification: Uncertain significance. Last evaluated: 2022-04-15. Review status: criteria provided, single submitter. Criteria: GeneDx Variant Classification Process June 2021. Collection method: clinical testing. Allele origin: germline. Affected: yes.
Comment: In silico analysis supports that this missense variant has a deleterious effect on protein structure/function; Has not been previously published as pathogenic or benign to our knowledge